The following is an entry in ClinVar:

ClinVar aggregate classification (germline): Uncertain significance (1 of 4 stars; one submission).

Submission:

Labcorp Genetics (formerly Invitae), Labcorp
Classification: Uncertain significance. Last evaluated: 2022-03-20. Review status: criteria provided, single submitter. Criteria: Invitae Variant Classification Sherloc (09022015). Collection method: clinical testing. Allele origin: germline.
Comment: In summary, the available evidence is currently insufficient to determine the role of this variant in disease. Therefore, it has been classified as a Variant of Uncertain Significance. Algorithms developed to predict the effect of missense changes on protein structure and function are either unavailable or do not agree on the potential impact of this missense change (SIFT: "Tolerated"; PolyPhen-2: "Probably Damaging"; Align-GVGD: "Class C0"). This variant has not been reported in the literature in individuals affected with LEMD3-related conditions. This variant is not present in population databases (gnomAD no frequency). This sequence change replaces glycine, which is neutral and non-polar, with arginine, which is basic and polar, at codon 595 of the LEMD3 protein (p.Gly595Arg).

NM_014319.5(LEMD3):c.1783G>C (p.Gly595Arg)

Gene: LEMD3 (LEM domain containing 3; plus strand). Cytogenetic location: 12q14.3.
Variant type: single nucleotide variant.
Coding change: c.1783G>C on transcript NM_014319.5 (MANE Select); coding-DNA position 1783, G replaced by C.
Protein change: p.Gly595Arg; replaces glycine 595 with arginine.
Molecular consequence: missense variant.
Genome position (GRCh38, 1-based): chr12:65,238,676, G>C. VCF-style: chr12-65238676-G-C. GRCh37 (hg19) VCF-style: chr12-65632456-G-C.
Other names: c.1780G>C, p.Gly594Arg (NM_001167614.2); short protein forms G594R, G595R.
Identifiers: ClinVar variation 2114862 (VCV002114862.4), dbSNP rs758347889, ClinGen allele CA385671072.
Genomic context (GRCh38, chr12:65,238,676, plus strand): 5'-ACTGGGAGAAATGGTTTTTGACTTTAAATTCTACCTTACTTATTTTTAAATAGGTGTGTT[G>C]GTTTTGGCCCTGAGGAAGAATTGACAAATATAACTGATGTGCAGTTTTTACAGTCCACAA-3'
Protein context (NP_055134.2, residues 585-605): NGKDVGIRCV[Gly595Arg]FGPEEELTNI